The following is an entry in ClinVar:

NM_002180.3(IGHMBP2):c.1699T>G (p.Phe567Val)

Gene: IGHMBP2 (immunoglobulin mu DNA binding protein 2; plus strand). Cytogenetic location: 11q13.3.
Variant type: single nucleotide variant.
Coding change: c.1699T>G on transcript NM_002180.3 (MANE Select); coding-DNA position 1699, T replaced by G.
Protein change: p.Phe567Val; replaces phenylalanine 567 with valine.
Molecular consequence: missense variant.
Genome position (GRCh38, 1-based): chr11:68,935,365, T>G. VCF-style: chr11-68935365-T-G. GRCh37 (hg19) VCF-style: chr11-68702833-T-G.
Other names: short protein forms F567V.
Identifiers: ClinVar variation 937458 (VCV000937458.10), dbSNP rs1859483901, ClinGen allele CA381651150.
Genomic context (GRCh38, chr11:68,935,365, plus strand): 5'-CTGCTCAGACAGAGCCTTGTGCACAGGCACCCTGAGCTTGAAATCAAGTCTGTCGATGGC[T>G]TCCAAGGCCGAGAGAAGGAGGCCGTGATACTGTCCTTCGTCAGATCCAACAGGAAAGGTA-3'
Protein context (NP_002171.2, residues 557-577): PELEIKSVDG[Phe567Val]QGREKEAVIL

ClinVar aggregate classification (germline): Uncertain significance (1 of 4 stars; one submission).

Conditions:
Autosomal recessive distal spinal muscular atrophy 1. Also called: NEURONOPATHY, DISTAL HEREDITARY MOTOR, HARDING TYPE VI; NEUROPATHY, DISTAL HEREDITARY MOTOR, AUTOSOMAL RECESSIVE 1; NEURONOPATHY, SEVERE INFANTILE AXONAL, WITH RESPIRATORY FAILURE; SEVERE INFANTILE AXONAL NEUROPATHY WITH RESPIRATORY FAILURE; SPINAL MUSCULAR ATROPHY, DIAPHRAGMATIC; Spinal muscular atrophy with respiratory distress 1. Identifiers: Orphanet 98920, MedGen C1858517, MONDO:0011436, OMIM 604320.
Charcot-Marie-Tooth disease axonal type 2S. Also called: CHARCOT-MARIE-TOOTH DISEASE, AXONAL, AUTOSOMAL RECESSIVE, TYPE 2S; CHARCOT-MARIE-TOOTH NEUROPATHY, TYPE 2S. Identifiers: Orphanet 443073, MedGen C4015349, MONDO:0014511, OMIM 616155.

Submission:

Labcorp Genetics (formerly Invitae), Labcorp
Classification: Uncertain significance for Autosomal recessive distal spinal muscular atrophy 1; Charcot-Marie-Tooth disease axonal type 2S. Last evaluated: 2019-07-31. Review status: criteria provided, single submitter. Criteria: Invitae Variant Classification Sherloc (09022015). Collection method: clinical testing. Allele origin: germline.
Comment: This sequence change replaces phenylalanine with valine at codon 567 of the IGHMBP2 protein (p.Phe567Val). The phenylalanine residue is highly conserved and there is a small physicochemical difference between phenylalanine and valine. This variant is not present in population databases (ExAC no frequency). This variant has not been reported in the literature in individuals with IGHMBP2-related conditions. Algorithms developed to predict the effect of missense changes on protein structure and function are either unavailable or do not agree on the potential impact of this missense change (SIFT: "Tolerated"; PolyPhen-2: "Probably Damaging"; Align-GVGD: "Class C0"). In summary, the available evidence is currently insufficient to determine the role of this variant in disease. Therefore, it has been classified as a Variant of Uncertain Significance.